The following is an entry in ClinVar:

ClinVar aggregate classification (germline): Pathogenic (1 of 4 stars; one submission).

Conditions:
Aniridia 1 (AN1). Identifiers: Orphanet 250923, MedGen C0344542, MONDO:0024507, OMIM 106210.
Irido-corneo-trabecular dysgenesis (ASGD5). Also called: ANTERIOR SEGMENT DYSGENESIS 5. Identifiers: Orphanet 708, MedGen C0344559, MONDO:0011414, OMIM 604229, HP:0000659.

Submission:

Labcorp Genetics (formerly Invitae), Labcorp
Classification: Pathogenic for Aniridia 1; Irido-corneo-trabecular dysgenesis. Last evaluated: 2022-07-03. Review status: criteria provided, single submitter. Criteria: Invitae Variant Classification Sherloc (09022015). Collection method: clinical testing. Allele origin: germline.
Comment: For these reasons, this variant has been classified as Pathogenic. This variant has not been reported in the literature in individuals affected with PAX6-related conditions. This variant is not present in population databases (gnomAD no frequency). This sequence change creates a premature translational stop signal (p.Gln255Thrfs*6) in the PAX6 gene. It is expected to result in an absent or disrupted protein product. Loss-of-function variants in PAX6 are known to be pathogenic (PMID: 12634864).

Literature cited by the submitters: PubMed 12634864.

NM_001368894.2(PAX6):c.803dup (p.Gln269fs)

Gene: PAX6 (paired box 6; minus strand). Cytogenetic location: 11p13.
Variant type: Duplication.
Coding change: c.803dup on transcript NM_001368894.2 (MANE Select); coding-DNA position 803, one base duplicated (T; older notation c.803dupT).
Protein change: p.Gln269fs; shifts the reading frame from glutamine 269.
Molecular consequence: frameshift variant.
Genome position (GRCh38, 1-based): chr11:31,794,036, A duplicated on the plus strand (T on the coding strand, the reverse complement: PAX6 is on the minus strand). VCF-style (leftmost placement, unchanged base first): chr11-31794035-T-TA. GRCh37 (hg19) VCF-style: chr11-31815583-T-TA.
Other names: c.761dup, p.Gln255fs (NM_000280.6, NM_001127612.3, NM_001258464.2 and 10 more transcripts); c.803dup, p.Gln269fs (NM_001258462.3, NM_001258463.2, NM_001310158.2 and 6 more transcripts); c.353dup, p.Gln119fs (NM_001310160.2, NM_001310161.3, NM_001368899.2 and 11 more transcripts); c.1004dup, p.Gln336fs (NM_001368910.2); c.806dup, p.Gln270fs (NM_001368911.2); c.878dup, p.Gln294fs (NM_001368918.2, NM_001368919.2); c.836dup, p.Gln280fs (NM_001368920.2); c.602dup, p.Gln202fs (NM_001368921.2, NM_001368922.2, NM_001368923.2 and 4 more transcripts); and 2 more; short protein forms Q202fs, Q269fs, Q280fs, Q188fs, Q255fs, Q336fs, Q270fs, Q54fs.
Identifiers: ClinVar variation 2013761 (VCV002013761.4), dbSNP rs2495167615, ClinGen allele CA2580082906.
Genomic context (GRCh38, chr11:31,794,035, plus strand): 5'-CTAGGAAAGACAAATGGTATGAATCACAAAGTGTGAAACTGCACAGTCTCTCGGTACCTG[T>TA]ATTCTTGCTTCAGGTAGATCTATTTTGGCTGCTAGTCTTTCTCGGGCAAACACATCTGGA-3'